The following is an entry in ClinVar:

ClinVar aggregate classification (germline): Uncertain significance (1 of 4 stars; one submission).

Conditions:
Progressive sclerosing poliodystrophy (MTDPS4A). Also called: ALPERS PROGRESSIVE INFANTILE POLIODYSTROPHY; NEURONAL DEGENERATION OF CHILDHOOD WITH LIVER DISEASE, PROGRESSIVE; Mitochondrial DNA Depletion Syndrome 4A; Alpers-Huttenlocher Syndrome (AHS); Alpers Syndrome; ALPERS DIFFUSE DEGENERATION OF CEREBRAL GRAY MATTER WITH HEPATIC CIRRHOSIS. Identifiers: Orphanet 726, MedGen C0205710, MONDO:0008758, OMIM 203700.

Allele frequency attached by ClinVar (database versions not stated): TOPMed below 0.00001.
gnomAD v4.1: 1 of 1,613,988 alleles (0.000062%); highest among the groups gnomAD compares: African/African-American, 0.0013%; no homozygotes.

Submission:

Labcorp Genetics (formerly Invitae), Labcorp
Classification: Uncertain significance for Progressive sclerosing poliodystrophy. Last evaluated: 2021-02-16. Review status: criteria provided, single submitter. Criteria: Invitae Variant Classification Sherloc (09022015). Collection method: clinical testing. Allele origin: germline.
Comment: This sequence change replaces glycine with arginine at codon 366 of the POLG protein (p.Gly366Arg). The glycine residue is highly conserved and there is a moderate physicochemical difference between glycine and arginine. This variant is not present in population databases (ExAC no frequency). This variant has not been reported in the literature in individuals with POLG-related conditions. Advanced modeling of protein sequence and biophysical properties (such as structural, functional, and spatial information, amino acid conservation, physicochemical variation, residue mobility, and thermodynamic stability) performed at Invitae indicates that this missense variant is expected to disrupt POLG protein function. In summary, the available evidence is currently insufficient to determine the role of this variant in disease. Therefore, it has been classified as a Variant of Uncertain Significance.

NM_002693.3(POLG):c.1096G>A (p.Gly366Arg)

Gene: POLG (DNA polymerase gamma, catalytic subunit; minus strand). Cytogenetic location: 15q26.1.
Variant type: single nucleotide variant.
Coding change: c.1096G>A on transcript NM_002693.3 (MANE Select); coding-DNA position 1096, G replaced by A.
Protein change: p.Gly366Arg; replaces glycine 366 with arginine.
Molecular consequence: missense variant.
Genome position (GRCh38, 1-based): chr15:89,328,759, C>T on the plus strand (G>A on the coding strand, the complement: POLG is on the minus strand). VCF-style: chr15-89328759-C-T. GRCh37 (hg19) VCF-style: chr15-89871990-C-T.
Other names: c.1096G>A, p.Gly366Arg (NM_001126131.2); short protein forms G366R.
Identifiers: ClinVar variation 1510793 (VCV001510793.8), dbSNP rs1340995594, ClinGen allele CA393764912.
Genomic context (GRCh38, chr15:89,328,759, plus strand): 5'-GAATGTCCTTCATGGTGCCCTTCACAAACAGTTCTCGAGGCTCCTTCTCTAAGGGAGGCC[C>T]CCCTACATAAAGTCTGTGCACCTCTGCCAGACTGTTGACACTGCTGATGTCCAGCCAGTC-3'
Protein context (NP_002684.1, residues 356-376): LAEVHRLYVG[Gly366Arg]PPLEKEPREL